The following is an entry in ClinVar:

NM_213599.3(ANO5):c.649-2A>G

Gene: ANO5 (anoctamin 5; plus strand). Cytogenetic location: 11p14.3.
Variant type: single nucleotide variant.
Coding change: c.649-2A>G on transcript NM_213599.3 (MANE Select); the canonical splice acceptor site of the intron before coding-DNA position 649, A replaced by G.
Molecular consequence: splice acceptor variant.
Genome position (GRCh38, 1-based): chr11:22,236,161, A>G. VCF-style: chr11-22236161-A-G. GRCh37 (hg19) VCF-style: chr11-22257707-A-G.
Other names: c.607-2A>G (NM_001410963.1); c.646-2A>G (NM_001142649.2); c.604-2A>G (NM_001410964.1).
Identifiers: ClinVar variation 548990 (VCV000548990.5), dbSNP rs773736505, ClinGen allele CA218741106.
Genomic context (GRCh38, chr11:22,236,161, plus strand): 5'-AAGAAATGTGGAAAGCATAAAGTTCTGAGATGTGATAGTGTCTCTTTGCACTTACCTTGT[A>G]GGTGTACTATATTCTCTCAAGATGTCCTTTTGGCATAGAAGATGGGAAGAAAAGGTTTGG-3'

ClinVar aggregate classification (germline): Likely pathogenic. Review status: criteria provided, multiple submitters, no conflicts (2 of 4 stars). 3 submissions from 3 submitters: Likely pathogenic (3). Last evaluated 2024-07-20.

Conditions:
Gnathodiaphyseal dysplasia (GDD). Also called: GNATHODIAPHYSEAL SCLEROSIS; OSTEOGENESIS IMPERFECTA WITH UNUSUAL SKELETAL LESIONS. Identifiers: Orphanet 53697, MedGen C1833736, MONDO:0008151, OMIM 166260.
Autosomal recessive limb-girdle muscular dystrophy type 2L (LGMDR12). Also called: Limb-girdle muscular dystrophy, type 2L; Limb-Girdle Muscular Dystrophy R12 Anoctamin-5-Related (LGMD-R12); MUSCULAR DYSTROPHY, LIMB-GIRDLE, AUTOSOMAL RECESSIVE 12. Identifiers: Orphanet 206549, MedGen C1969785, MONDO:0012652, OMIM 611307.

Allele frequency attached by ClinVar (database versions not stated): gnomAD exomes 0.00001.

Submissions (3):

GeneDx
Classification: Likely pathogenic. Last evaluated: 2024-07-20. Review status: criteria provided, single submitter. Criteria: GeneDx Variant Classification Process June 2021. Collection method: clinical testing. Allele origin: germline. Affected: yes.
Comment: Observed with a second variant, phase unknown, in an individual with limb-girdle muscular dystrophy (PMID: 35563815); Reported in one individual from a cohort of patients with unexplained limb girdle weakness, however further information about this individual was not provided (PMID: 32528171); Canonical splice site variant predicted to result in an in-frame loss of the adjacent exon in a gene for which loss of function is a known mechanism of disease; Not observed at significant frequency in large population cohorts (gnomAD); This variant is associated with the following publications: (PMID: 21186264, 16199547, 30919934, 36137979, 36913258, 25891276, 35563815, 32528171)

Labcorp Genetics (formerly Invitae), Labcorp
Classification: Likely pathogenic for Autosomal recessive limb-girdle muscular dystrophy type 2L; Gnathodiaphyseal dysplasia. Last evaluated: 2023-03-27. Review status: criteria provided, single submitter. Criteria: Invitae Variant Classification Sherloc (09022015). Collection method: clinical testing. Allele origin: germline.
Comment: This sequence change affects an acceptor splice site in intron 7 of the ANO5 gene. It is expected to disrupt RNA splicing. Variants that disrupt the donor or acceptor splice site typically lead to a loss of protein function (PMID: 16199547), and loss-of-function variants in ANO5 are known to be pathogenic (PMID: 21186264, 23606453, 25891276, 30919934). In summary, the currently available evidence indicates that the variant is pathogenic, but additional data are needed to prove that conclusively. Therefore, this variant has been classified as Likely Pathogenic. Algorithms developed to predict the effect of sequence changes on RNA splicing suggest that this variant may disrupt the consensus splice site. ClinVar contains an entry for this variant (Variation ID: 548990). Disruption of this splice site has been observed in individual(s) with autosomal recessive limb-girdle muscular dystrophy (PMID: 25891276, 32528171). This variant is not present in population databases (gnomAD no frequency).

Broad Center for Mendelian Genomics, Broad Institute of MIT and Harvard
Classification: Likely pathogenic for Autosomal recessive limb-girdle muscular dystrophy type 2L. Review status: criteria provided, single submitter. Criteria: ACMG Guidelines, 2015. Collection method: research. Allele origin: germline. Inheritance: Autosomal recessive inheritance. Affected: yes. Observed: 1 variant allele, 1 compound heterozygote. Study: Broad Institute Center for Mendelian Genomics (CMG).
Comment: The c.649-2A>G variant occurs in the invariant region (+/- 1/2) of the splice consensus sequence and is predicted to cause altered splicing leading to an abnormal or absent protein. However, in the absence of RNA/functional studies, the actual effect of this sequence change is unknown. Although this variant has not been previously reported, other canonical splice site variants have been reported in association with ANO5-related disorders (LOVD, ClinVar, HGMD). In summary, although additional studies are required to fully establish its clinical significance, this variant is likely pathogenic.

Literature cited by the submitters: PubMed 16199547 (cited by Labcorp Genetics (formerly Invitae), Labcorp); PubMed 21186264 (cited by Labcorp Genetics (formerly Invitae), Labcorp); PubMed 23606453 (cited by Labcorp Genetics (formerly Invitae), Labcorp); PubMed 25891276 (cited by Labcorp Genetics (formerly Invitae), Labcorp); PubMed 30919934 (cited by Labcorp Genetics (formerly Invitae), Labcorp); PubMed 32528171 (cited by Labcorp Genetics (formerly Invitae), Labcorp).